The following is an entry in ClinVar:

NM_020821.3(VPS13C):c.1598C>A (p.Thr533Asn)

Gene: VPS13C (vacuolar protein sorting 13 homolog C; minus strand). Cytogenetic location: 15q22.2.
Variant type: single nucleotide variant.
Coding change: c.1598C>A on transcript NM_020821.3 (MANE Select); coding-DNA position 1598, C replaced by A.
Protein change: p.Thr533Asn; replaces threonine 533 with asparagine.
Molecular consequence: missense variant.
Genome position (GRCh38, 1-based): chr15:61,984,980, G>T on the plus strand (C>A on the coding strand, the complement: VPS13C is on the minus strand). VCF-style: chr15-61984980-G-T. GRCh37 (hg19) VCF-style: chr15-62277179-G-T.
Other names: c.1598C>A, p.Thr533Asn (NM_001018088.3); c.1469C>A, p.Thr490Asn (NM_017684.5, NM_018080.4); short protein forms T490N, T533N.
Identifiers: ClinVar variation 710296 (VCV000710296.10), dbSNP rs35435766, ClinGen allele CA7596984.

ClinVar aggregate classification (germline): Likely benign. Review status: criteria provided, multiple submitters, no conflicts (2 of 4 stars). 2 submissions from 2 submitters: Likely benign (2). Last evaluated 2026-06-09.

Conditions:
VPS13C-related disorder. Also called: VPS13C-related condition.

Allele frequency attached by ClinVar (database versions not stated): gnomAD exomes 0.00013 and 0.00044; ExAC 0.00054; gnomAD 0.00149 and 0.00160; ESP Exome Variant Server 0.00177; TOPMed 0.00194; 1000 Genomes Project 30x 0.00203; 1000 Genomes Project 0.00220.
gnomAD v4.1: 427 of 1,584,804 alleles (0.027%); highest among the groups gnomAD compares: African/African-American, 0.55%; 1 homozygote.

Submissions (2):

PreventionGenetics, part of Exact Sciences
Classification: Likely benign for VPS13C-related condition. Last evaluated: 2026-06-09. Review status: criteria provided, single submitter. Criteria: ACMG Guidelines, 2015. Collection method: clinical testing. Allele origin: germline.
Comment: This variant is classified as likely benign based on ACMG/AMP sequence variant interpretation guidelines (Richards et al. 2015 PMID: 25741868, with internal and published modifications).

Labcorp Genetics (formerly Invitae), Labcorp
Classification: Likely benign. Last evaluated: 2026-01-26. Review status: criteria provided, single submitter. Criteria: Invitae Variant Classification Sherloc (09022015). Collection method: clinical testing. Allele origin: germline.